The following is an entry in ClinVar:

ClinVar aggregate classification (germline): Conflicting classifications of pathogenicity. Review status: criteria provided, conflicting classifications (1 of 4 stars). 2 submissions from 2 submitters: Uncertain significance (1); Likely benign (1). Last evaluated 2026-01-19.

Conditions:
Inborn genetic diseases. Identifiers: MedGen C0950123, MeSH D030342.

Allele frequency attached by ClinVar (database versions not stated): gnomAD 0.00004 and 0.00005; ExAC 0.00007; gnomAD exomes 0.00007; TOPMed 0.00008; 1000 Genomes Project 30x 0.00016; 1000 Genomes Project 0.00020.
gnomAD v4.1: 119 of 1,614,194 alleles (0.0074%); highest among the groups gnomAD compares: Middle Eastern, 0.066%; 1 homozygote.

Submissions (2):

Labcorp Genetics (formerly Invitae), Labcorp
Classification: Uncertain significance. Last evaluated: 2026-01-19. Review status: criteria provided, single submitter. Criteria: Invitae Variant Classification Sherloc (09022015). Collection method: clinical testing. Allele origin: germline.
Comment: This sequence change replaces arginine, which is basic and polar, with leucine, which is neutral and non-polar, at codon 43 of the NARS2 protein (p.Arg43Leu). This variant is present in population databases (rs199706625, gnomAD 0.02%), including at least one homozygous and/or hemizygous individual. This variant has not been reported in the literature in individuals affected with NARS2-related conditions. ClinVar contains an entry for this variant (Variation ID: 1431871). Invitae Evidence Modeling of protein sequence and biophysical properties (such as structural, functional, and spatial information, amino acid conservation, physicochemical variation, residue mobility, and thermodynamic stability) indicates that this missense variant is not expected to disrupt NARS2 protein function with a negative predictive value of 80%. In summary, the available evidence is currently insufficient to determine the role of this variant in disease. Therefore, it has been classified as a Variant of Uncertain Significance.

Ambry Genetics
Classification: Likely benign for Inborn genetic diseases. Last evaluated: 2024-10-01. Review status: criteria provided, single submitter. Criteria: Ambry Variant Classification Scheme 2023. Collection method: clinical testing. Allele origin: germline.

NM_024678.6(NARS2):c.128G>T (p.Arg43Leu)

Gene: NARS2 (asparaginyl-tRNA synthetase 2, mitochondrial; minus strand). Cytogenetic location: 11q14.1.
Variant type: single nucleotide variant.
Coding change: c.128G>T on transcript NM_024678.6 (MANE Select); coding-DNA position 128, G replaced by T.
Protein change: p.Arg43Leu; replaces arginine 43 with leucine.
Molecular consequence: missense variant. On other transcripts: intron variant (1).
Genome position (GRCh38, 1-based): chr11:78,574,361, C>A on the plus strand (G>T on the coding strand, the complement: NARS2 is on the minus strand). VCF-style: chr11-78574361-C-A. GRCh37 (hg19) VCF-style: chr11-78285406-C-A.
Other names: c.-541+468G>T (NM_001243251.2); c.128G>T (NM_024678.5); short protein forms R43L.
Identifiers: ClinVar variation 1431871 (VCV001431871.8), dbSNP rs199706625, ClinGen allele CA6205967.